The following is an entry in ClinVar:

NM_014244.5(ADAMTS2):c.858_859delinsTA (p.Val287Ile)

Gene: ADAMTS2 (ADAM metallopeptidase with thrombospondin type 1 motif 2; minus strand). Cytogenetic location: 5q35.3.
Variant type: Indel.
Coding change: c.858_859delinsTA on transcript NM_014244.5 (MANE Select); coding-DNA positions 858 to 859, CG replaced by TA.
Protein change: p.Val287Ile; replaces valine 287 with isoleucine.
Molecular consequence: missense variant.
Genome position (GRCh38, 1-based): chr5:179,207,545-179,207,546, CG replaced by TA on the plus strand (CG replaced by TA on the coding strand, the reverse complement: ADAMTS2 is on the minus strand). VCF-style: chr5-179207545-CG-TA. GRCh37 (hg19) VCF-style: chr5-178634546-CG-TA.
Other names: c.858_859delinsTA, p.Val287Ile (NM_021599.4); short protein forms V287I.
Identifiers: ClinVar variation 2141030 (VCV002141030.1), dbSNP rs2480415093, ClinGen allele CA2580074094.

ClinVar aggregate classification (germline): Uncertain significance (1 of 4 stars; one submission).

Conditions:
Ehlers-Danlos syndrome, dermatosparaxis type. Also called: EDS VIIC; Dermatosparaxis; Ehlers-Danlos syndrome, type VII, autosomal recessive. Identifiers: Orphanet 1901, MedGen C2700425, MONDO:0009161, OMIM 225410.

Submission:

Labcorp Genetics (formerly Invitae), Labcorp
Classification: Uncertain significance for Ehlers-Danlos syndrome, dermatosparaxis type. Last evaluated: 2022-01-16. Review status: criteria provided, single submitter. Criteria: Invitae Variant Classification Sherloc (09022015). Collection method: clinical testing. Allele origin: germline.
Comment: This sequence change replaces valine, which is neutral and non-polar, with isoleucine, which is neutral and non-polar, at codon 287 of the ADAMTS2 protein (p.Val287Ile). Information on the frequency of this variant in the gnomAD database is not available, as this variant may be reported differently in the database. This variant has not been reported in the literature in individuals affected with ADAMTS2-related conditions. Experimental studies and prediction algorithms are not available or were not evaluated, and the functional significance of this variant is currently unknown. In summary, the available evidence is currently insufficient to determine the role of this variant in disease. Therefore, it has been classified as a Variant of Uncertain Significance.